The following is an entry in ClinVar:

ClinVar aggregate classification (germline): Benign (1 of 4 stars; one submission).

Allele frequency attached by ClinVar (database versions not stated): 1000 Genomes Project 0.00260; 1000 Genomes Project 30x 0.00281; TOPMed 0.00774.
gnomAD v4.1: 1,401 of 152,204 alleles (0.92%); highest among the groups gnomAD compares: Admixed American, 1.5%; 11 homozygotes.

Submission:

CeGaT Center for Human Genetics Tuebingen
Classification: Benign. Last evaluated: 2026-07-01. Review status: criteria provided, single submitter. Criteria: CeGaT Center For Human Genetics Tuebingen Variant Classification Criteria Version 2. Collection method: clinical testing. Allele origin: germline. Affected: yes. Observed: 4 variant alleles.
Comment: ROS1: BS1, BS2

NM_001378902.1(ROS1):c.5760-265G>T

Gene: ROS1 (ROS proto-oncogene 1, receptor tyrosine kinase; minus strand). Cytogenetic location: 6q22.1.
Variant type: single nucleotide variant.
Coding change: c.5760-265G>T on transcript NM_001378902.1 (MANE Select); 265 bases into the intron before coding-DNA position 5760, G replaced by T.
Molecular consequence: intron variant.
Genome position (GRCh38, 1-based): chr6:117,320,295, C>A on the plus strand (G>T on the coding strand, the complement: ROS1 is on the minus strand). VCF-style: chr6-117320295-C-A. GRCh37 (hg19) VCF-style: chr6-117641458-C-A.
Other names: c.5778-265G>T (NM_002944.3); c.5766-265G>T (NM_001378891.1).
Identifiers: ClinVar variation 2656870 (VCV002656870.24), dbSNP rs150750988, ClinGen allele CA145985443.
Genomic context (GRCh38, chr6:117,320,295, plus strand): 5'-GCATGATGGTCCACTTCTAGGCACCTTAATTTTGATAAAAATATATATGTGTATGCATTG[C>A]CTCAACACTTTTATTGTAGCTTGTTGAGTCAAAGTTAGTAGGTATTAACTTCTTCAGATT-3'